The following is an entry in ClinVar:

ClinVar aggregate classification (germline): Conflicting classifications of pathogenicity. Review status: criteria provided, conflicting classifications (1 of 4 stars). 19 submissions from 19 submitters: Uncertain significance (15); Benign (1); Likely benign (2). 1 of the submissions does not count toward it. Last evaluated 2026-09-22.

Conditions:
CHEK2-related disorder.
Hereditary breast ovarian cancer syndrome. Also called: Breast and ovarian cancer; Hereditary breast and/or ovarian cancer syndrome; Hereditary breast and ovarian cancer syndrome; Hereditary breast and ovarian cancer syndrome (HBOC); Hereditary breast and ovarian cancer; BRCA1- and BRCA2-Associated Hereditary Breast and Ovarian Cancer. Identifiers: Orphanet 145, MedGen C0677776, MeSH D061325, MONDO:0003582. Disease mechanism: loss of function.
Li-Fraumeni syndrome (LFS). Also called: Sarcoma family syndrome of Li and Fraumeni. Identifiers: Orphanet 524, MedGen C0085390, MONDO:0018875.
CHEK2-related cancer predisposition (TPDS4). Also called: TUMOR PREDISPOSITION SYNDROME 4; CANCER PREDISPOSITION SYNDROME, CHEK2-RELATED; CHEK2-related cancer susceptibility. Identifiers: Orphanet 524, MedGen C5882668, MONDO:0700271, OMIM 609265.
Bone osteosarcoma. Also called: Osteosarcoma, somatic. Identifiers: Orphanet 668, MedGen C0585442, MONDO:0002629, OMIM 259500.
Familial prostate cancer. Also called: Hereditary Prostate Cancer. Identifiers: MedGen C2931456, MONDO:0700275, OMIM 176807.
Predisposition to cancer.
Breast and/or ovarian cancer. Identifiers: MedGen CN221562.
Hereditary cancer-predisposing syndrome. Also called: Neoplastic Syndromes, Hereditary; Hereditary neoplastic syndrome; Hereditary Cancer Syndrome; Tumor predisposition. Identifiers: Orphanet 140162, MedGen C0027672, MeSH D009386, MONDO:0015356.
Familial cancer of breast. Also called: BREAST CANCER, FAMILIAL; hereditary breast carcinoma; Hereditary breast cancer. Identifiers: Orphanet 227535, MedGen C0346153, MONDO:0016419, OMIM 114480. Disease mechanism: loss of function.

Allele frequency attached by ClinVar (database versions not stated): gnomAD exomes 0.00008; ExAC 0.00011; gnomAD 0.00036 and 0.00037; TOPMed 0.00066; 1000 Genomes Project 30x 0.00094; 1000 Genomes Project 0.00120.
gnomAD v4.1: 189 of 1,593,666 alleles (0.012%); highest among the groups gnomAD compares: Admixed American, 0.1%; no homozygotes.

Submissions 1 to 7 of 19:

GeneDx
Classification: Uncertain significance. Last evaluated: 2026-09-22. Review status: criteria provided, single submitter. Criteria: GeneDx Variant Classification Process June 2021. Collection method: clinical testing. Allele origin: germline.
Comment: Published functional studies are conflicting: some studies demonstrate autophosphorylation and kinase activity comparable to wild type, while others demonstrate reduced stability and decreased kinase activity (PMID: 30851065, 31780696, 37449874); Observed in individuals with a personal or family history of breast cancer as well as in unaffected controls (PMID: 21244692, 25186627, 28102005, 27878467, 31780696, 33471991); In silico analysis supports that this missense variant has a deleterious effect on protein structure/function; Not observed at significant frequency in large population cohorts (gnomAD); This variant is associated with the following publications: (PMID: 25186627, 21244692, 26787654, 27878467, 28102005, 31106920, 30851065, 31780696, 32310333, 31742824, 34008015, 35493704, 32885271, 33471991, 22419737, 19782031, 37449874, 40335619)

PreventionGenetics, part of Exact Sciences
Classification: Uncertain significance for CHEK2-related condition. Last evaluated: 2026-05-08. Review status: criteria provided, single submitter. Criteria: ACMG Guidelines, 2015. Collection method: clinical testing. Allele origin: germline.
Comment: The CHEK2 c.1451C>T variant is predicted to result in the amino acid substitution p.Pro484Leu. This variant has been observed in individuals with a personal or family history of breast cancer, but its pathogenicity was not established, and it has also been reported in unaffected controls (Le Calvez-Kelm et al. 2011. PubMed ID: 21244692; Tung et al. 2014. PubMed ID: 25186627; Yadav et al. 2017. PubMed ID: 27878467; Shao et al. 2020. PubMed ID: 31742824; Breast Cancer Association Consortium et al. 2021. PubMed ID: 33471991). An in vitro functional assay showed that this variant leads to decreased kinase activity (Dutil et al. 2019. PubMed ID: 31780696), while another yeast-based DNA damage repair assay demonstrated that this variant was benign (Figure S3 and Table S1, Delimitsou et al. 2019. PubMed ID: 30851065). This variant is reported in 0.026% of alleles in individuals of Latino descent in gnomAD and has conflicting interpretations regarding its pathogenicity in ClinVar, ranging from uncertain significance to benign (Variation ID: 140938). At this time, the clinical significance of this variant is uncertain due to the absence of conclusive functional and genetic evidence.

St. Jude Molecular Pathology, St. Jude Children's Research Hospital
Classification: Uncertain significance for Predisposition to cancer. Last evaluated: 2026-02-11. Review status: criteria provided, single submitter. Criteria: St. Jude Assertion Criteria 2020. Collection method: clinical testing. Allele origin: germline.
Comment: The CHEK2 c.1451C>T p.(Pro484Leu) missense change has a maximum subpopulation frequency of 0.026% in gnomAD v2.1.1. The in silico tool REVEL is inconclusive and functional assays are not in agreement about the effect of this variant on protein function (PMID: 31780696, 30851065). This variant has been reported individuals with breast cancer (PMID: 21244692, 25186627, 31780696, 32885271). It is present in 2 individuals in a database of women older than 70 years of age who have never had cancer (FLOSSIES). In summary, the evidence currently available is insufficient to determine the clinical significance of this variant. It has therefore been classified as of uncertain significance.

Labcorp Genetics (formerly Invitae), Labcorp
Classification: Uncertain significance for Familial cancer of breast. Last evaluated: 2026-02-03. Review status: criteria provided, single submitter. Criteria: Invitae Variant Classification Sherloc (09022015). Collection method: clinical testing. Allele origin: germline.
Comment: This sequence change replaces proline, which is neutral and non-polar, with leucine, which is neutral and non-polar, at codon 484 of the CHEK2 protein (p.Pro484Leu). This variant is present in population databases (rs564605612, gnomAD 0.03%). This missense change has been observed in individual(s) with breast cancer and/or mesothelioma (PMID: 21244692, 25186627, 31206626, 31780696, 34008015). ClinVar contains an entry for this variant (Variation ID: 140938). An algorithm developed to predict the effect of missense changes on protein structure and function (PolyPhen-2) suggests that this variant is likely to be disruptive. Experimental studies are conflicting or provide insufficient evidence to determine the effect of this variant on CHEK2 function (PMID: 30851065, 31780696). In summary, the available evidence is currently insufficient to determine the role of this variant in disease. Therefore, it has been classified as a Variant of Uncertain Significance.

German Consortium for Hereditary Breast and Ovarian Cancer, University Hospital Cologne
Classification: Benign for Hereditary breast ovarian cancer syndrome. Last evaluated: 2025-12-04. Review status: criteria provided, single submitter. Criteria: ACMG Guidelines, 2015. Collection method: curation. Allele origin: germline.
Comment: This classification follows the ACMG SVI adaptation classification scheme; We chose these criteria: BS1 (strong benign): >0.05% in gnomAD4.1 (Grpmax: 0.08117%) CHEK2: CanVIG-UK Gene-Specific Guidance, BS3 (strong benign): Stolarova (2023, PMID: 37449874): benign via CHK2 & KAP1 assay; Delimitsou et al., 2019: did not have a substantial impact on protein function

Color Diagnostics, LLC DBA Color Health
Classification: Likely benign for Hereditary cancer-predisposing syndrome. Last evaluated: 2025-11-11. Review status: criteria provided, single submitter. Criteria: ACMG Guidelines, 2015. Collection method: clinical testing. Allele origin: germline.

Women's Health and Genetics/Laboratory Corporation of America, LabCorp
Classification: Uncertain significance. Last evaluated: 2025-08-05. Review status: criteria provided, single submitter. Criteria: LabCorp Variant Classification Summary - May 2015. Collection method: clinical testing. Allele origin: germline.
Comment: Variant summary: CHEK2 c.1451C>T (p.Pro484Leu) results in a non-conservative amino acid change located in the protein kinase domain (IPR000719) of the encoded protein sequence. Algorithms developed to predict the effect of missense changes on protein structure and function all suggest that this variant is likely to be disruptive. The variant allele was found at a frequency of 7.6e-05 in 236006 control chromosomes. This frequency is not significantly higher than estimated for a pathogenic variant in CHEK2 causing Hereditary Breast And Ovarian Cancer Syndrome (7.6e-05 vs 0.00031), allowing no conclusion about variant significance. c.1451C>T has been observed in individual(s) affected with breast and other cancers (e.g. Young_2016, Calvez-Kelm_2011, Tung_2014, Yadav_2016, Dutil_2019, Shao_2019, Weitzel_2019, Dorling_2021, Cheung_2021, Rawashdeh_2024), but has also been observed in individuals over age 70 with no history of cancer (FLOSSIES database). These data do not allow any conclusion about variant significance. Several publications report experimental evidence evaluating an impact on protein function, with conflicting results. The variant was classified as benign following assessment in a yeast-based assay (Delimitsou_2019), but was shown to significantly reduce kinase activity when expressed in HEK293T cells (Duhl_2019). The following publications have been ascertained in the context of this evaluation (PMID: 21244692, 34008015, 30851065, 33471991, 31780696, 39541563, 31742824, 25186627, 31206626, 27878467, 26787654). ClinVar contains an entry for this variant (Variation ID: 140938). Based on the evidence outlined above, the variant was classified as uncertain significance.

NM_007194.4(CHEK2):c.1451C>T (p.Pro484Leu)

Gene: CHEK2 (checkpoint kinase 2; minus strand). Cytogenetic location: 22q12.1.
Variant type: single nucleotide variant.
Coding change: c.1451C>T on transcript NM_007194.4 (MANE Select); coding-DNA position 1451, C replaced by T.
Protein change: p.Pro484Leu; replaces proline 484 with leucine.
Molecular consequence: missense variant.
Genome position (GRCh38, 1-based): chr22:28,694,042, G>A on the plus strand (C>T on the coding strand, the complement: CHEK2 is on the minus strand). VCF-style: chr22-28694042-G-A. GRCh37 (hg19) VCF-style: chr22-29090030-G-A.
Other names: p.P484L:CCG>CTG; c.1580C>T, p.Pro527Leu (NM_001005735.3); c.788C>T, p.Pro263Leu (NM_001257387.3); c.1250C>T, p.Pro417Leu (NM_001349956.3); c.1364C>T, p.Pro455Leu (NM_145862.3); short protein forms P484L, P455L, P417L, P527L, P263L.
Identifiers: ClinVar variation 140938 (VCV000140938.65), dbSNP rs564605612, ClinGen allele CA294010.